The following is an entry in ClinVar:

ClinVar aggregate classification (germline): Uncertain significance (1 of 4 stars; one submission).

Submission:

GeneDx
Classification: Uncertain significance. Last evaluated: 2022-04-08. Review status: criteria provided, single submitter. Criteria: GeneDx Variant Classification Process June 2021. Collection method: clinical testing. Allele origin: germline. Affected: yes.
Comment: Not observed at significant frequency in large population cohorts (gnomAD); In silico analysis supports that this missense variant has a deleterious effect on protein structure/function; Has not been previously published as pathogenic or benign to our knowledge

NM_001393504.1(MAST3):c.2882G>C (p.Arg961Pro)

Gene: MAST3 (microtubule associated serine/threonine kinase 3; plus strand). Cytogenetic location: 19p13.11.
Variant type: single nucleotide variant.
Coding change: c.2882G>C on transcript NM_001393504.1 (MANE Select); coding-DNA position 2882, G replaced by C.
Protein change: p.Arg961Pro; replaces arginine 961 with proline.
Molecular consequence: missense variant.
Genome position (GRCh38, 1-based): chr19:18,145,072, G>C. VCF-style: chr19-18145072-G-C. GRCh37 (hg19) VCF-style: chr19-18255882-G-C.
Other names: c.2906G>C, p.Arg969Pro (NM_001393501.1); c.2885G>C, p.Arg962Pro (NM_001393502.1); c.2882G>C, p.Arg961Pro (NM_001393503.1); c.2879G>C, p.Arg960Pro (NM_001393505.1); c.2834G>C, p.Arg945Pro (NM_001393506.1, NM_001393513.1); c.2861G>C, p.Arg954Pro (NM_001393507.1); c.2816G>C, p.Arg939Pro (NM_001393508.1, NM_001393516.1); c.2813G>C, p.Arg938Pro (NM_001393509.1, NM_001393510.1, NM_001393512.1 and 2 more transcripts); and 4 more; short protein forms R923P, R931P, R932P, R937P, R938P, R939P, R945P, R954P.
Identifiers: ClinVar variation 1708650 (VCV001708650.2), dbSNP rs1452121136, ClinGen allele CA404793513.
Genomic context (GRCh38, chr19:18,145,072, plus strand): 5'-GCGGCGGCCCCCTCATGAGCCCCCTTTCCCCGCGCTCTCTGTCCTCGAACCCGTCGTCCC[G>C]TGACTCTTCGCCGAGCCGAGACCCGTCCCCCGTGTGTGGCAGCCTGCGGCCCCCCATCGT-3'
Protein context (NP_001380433.1, residues 951-971): PRSLSSNPSS[Arg961Pro]DSSPSRDPSP